The following is an entry in ClinVar:

ClinVar aggregate classification (germline): Benign/Likely benign. Review status: criteria provided, multiple submitters, no conflicts (2 of 4 stars). 4 submissions from 3 submitters: Benign (1); Likely benign (3). Last evaluated 2025-12-29.

Conditions:
Short-rib thoracic dysplasia 7 with or without polydactyly (SRTD7). Also called: Short rib polydactyly syndrome 5; SHORT-RIB THORACIC DYSPLASIA 7 WITH POLYDACTYLY. Identifiers: Orphanet 498497, Orphanet 93271, MedGen C3279792, MONDO:0013569, OMIM 614091.
Cranioectodermal dysplasia 2 (CED2). Identifiers: Orphanet 1515, MedGen C3150874, MONDO:0013323, OMIM 613610.

Allele frequency attached by ClinVar (database versions not stated): 1000 Genomes Project 30x 0.00062; 1000 Genomes Project 0.00080; TOPMed 0.00183; ESP Exome Variant Server 0.00185; gnomAD 0.00194 and 0.00201; gnomAD exomes 0.00207; ExAC 0.00320.
gnomAD v4.1: 4,336 of 1,601,312 alleles (0.27%); highest among the groups gnomAD compares: Non-Finnish European, 0.33%; 2 homozygotes.

Submissions (4):

Labcorp Genetics (formerly Invitae), Labcorp
Classification: Benign for Cranioectodermal dysplasia 2; Short-rib thoracic dysplasia 7 with or without polydactyly. Last evaluated: 2025-12-29. Review status: criteria provided, single submitter. Criteria: Invitae Variant Classification Sherloc (09022015). Collection method: clinical testing. Allele origin: germline.

Blueprint Genetics
Classification: Likely benign. Last evaluated: 2024-10-17. Review status: criteria provided, single submitter. Criteria: ACMG Guidelines, 2015. Collection method: clinical testing. Allele origin: germline.

Illumina Laboratory Services, Illumina
Classification: Likely benign for Cranioectodermal dysplasia 2. Last evaluated: 2018-01-13. Review status: criteria provided, single submitter. Criteria: ICSL Variant Classification Criteria 13 December 2019. Collection method: clinical testing. Allele origin: germline.
Comment: This variant was observed in the ICSL laboratory as part of a predisposition screen in an ostensibly healthy population. It had not been previously curated by ICSL or reported in the Human Gene Mutation Database (HGMD: prior to June 1st, 2018), and was therefore a candidate for classification through an automated scoring system. Utilizing variant allele frequency, disease prevalence and penetrance estimates, and inheritance mode, an automated score was calculated to assess if this variant is too frequent to cause the disease. Based on the score and internal cut-off values, a variant classified as likely benign is not then subjected to further curation. The score for this variant resulted in a classification of likely benign for this disease.

Illumina Laboratory Services, Illumina
Classification: Likely benign for Short-rib thoracic dysplasia 7 with or without polydactyly. Last evaluated: 2018-01-13. Review status: criteria provided, single submitter. Criteria: ICSL Variant Classification Criteria 13 December 2019. Collection method: clinical testing. Allele origin: germline.
Comment: the same text as in the submission from Illumina Laboratory Services, Illumina above.

NM_020779.4(WDR35):c.1524+11C>A

Gene: WDR35 (WD repeat domain 35; minus strand). Cytogenetic location: 2p24.1.
Variant type: single nucleotide variant.
Coding change: c.1524+11C>A on transcript NM_020779.4 (MANE Select); 11 bases into the intron after coding-DNA position 1524, C replaced by A.
Molecular consequence: intron variant.
Genome position (GRCh38, 1-based): chr2:19,948,153, G>T on the plus strand (C>A on the coding strand, the complement: WDR35 is on the minus strand). VCF-style: chr2-19948153-G-T. GRCh37 (hg19) VCF-style: chr2-20147914-G-T.
Other names: c.1557+11C>A (NM_001006657.2).
Identifiers: ClinVar variation 896566 (VCV000896566.12), dbSNP rs200213874, ClinGen allele CA1543201.